The following is an entry in ClinVar:

NM_001199138.2(NLRC4):c.2542G>A (p.Val848Ile)

Gene: NLRC4 (NLR family CARD domain containing 4; minus strand). Cytogenetic location: 2p22.3.
Variant type: single nucleotide variant.
Coding change: c.2542G>A on transcript NM_001199138.2 (MANE Select); coding-DNA position 2542, G replaced by A.
Protein change: p.Val848Ile; replaces valine 848 with isoleucine.
Molecular consequence: missense variant.
Genome position (GRCh38, 1-based): chr2:32,236,319, C>T on the plus strand (G>A on the coding strand, the complement: NLRC4 is on the minus strand). VCF-style: chr2-32236319-C-T. GRCh37 (hg19) VCF-style: chr2-32461388-C-T.
Other names: c.2542G>A, p.Val848Ile (NM_001199139.2, NM_021209.5); c.547G>A, p.Val183Ile (NM_001302504.2); short protein forms V183I, V848I.
Identifiers: ClinVar variation 5040368 (VCV005040368.1).

ClinVar aggregate classification (germline): Uncertain significance (1 of 4 stars; one submission).

gnomAD v4.1: 2 of 1,606,698 alleles (0.00012%); highest among the groups gnomAD compares: Non-Finnish European, 0.00017%; no homozygotes.

Submission:

CeGaT Center for Human Genetics Tuebingen
Classification: Uncertain significance. Last evaluated: 2026-08-01. Review status: criteria provided, single submitter. Criteria: CeGaT Center For Human Genetics Tuebingen Variant Classification Criteria Version 2. Collection method: clinical testing. Allele origin: germline. Affected: yes. Observed: 1 variant allele.
Comment: NLRC4: PM2, BP4